The following is an entry in ClinVar:

ClinVar aggregate classification (germline): Uncertain significance. Review status: criteria provided, multiple submitters, no conflicts (2 of 4 stars). 2 submissions from 2 submitters: Uncertain significance (2). Last evaluated 2022-05-04.

Conditions:
Familial cancer of breast. Also called: hereditary breast carcinoma; Hereditary breast cancer; BREAST CANCER, FAMILIAL. Identifiers: Orphanet 227535, MedGen C0346153, MONDO:0016419, OMIM 114480. Disease mechanism: loss of function.

Submissions (2):

Mendelics
Classification: Uncertain significance. Last evaluated: 2022-05-04. Review status: criteria provided, single submitter. Criteria: Mendelics Assertion Criteria 2019. Collection method: clinical testing. Allele origin: germline.

Labcorp Genetics (formerly Invitae), Labcorp
Classification: Uncertain significance for Familial cancer of breast. Last evaluated: 2020-09-13. Review status: criteria provided, single submitter. Criteria: Invitae Variant Classification Sherloc (09022015). Collection method: clinical testing. Allele origin: germline.
Comment: This variant is not present in population databases (ExAC no frequency). This sequence change replaces glycine with arginine at codon 1000 of the PALB2 protein (p.Gly1000Arg). The glycine residue is weakly conserved and there is a moderate physicochemical difference between glycine and arginine. This variant has not been reported in the literature in individuals with PALB2-related conditions. In summary, the available evidence is currently insufficient to determine the role of this variant in disease. Therefore, it has been classified as a Variant of Uncertain Significance. Algorithms developed to predict the effect of missense changes on protein structure and function (SIFT, PolyPhen-2, Align-GVGD) all suggest that this variant is likely to be tolerated, but these predictions have not been confirmed by published functional studies and their clinical significance is uncertain.

NM_024675.4(PALB2):c.2998G>C (p.Gly1000Arg)

Gene: PALB2 (partner and localizer of BRCA2; minus strand). Cytogenetic location: 16p12.2.
Variant type: single nucleotide variant.
Coding change: c.2998G>C on transcript NM_024675.4 (MANE Select); coding-DNA position 2998, G replaced by C.
Protein change: p.Gly1000Arg; replaces glycine 1000 with arginine.
Molecular consequence: missense variant.
Genome position (GRCh38, 1-based): chr16:23,621,477, C>G on the plus strand (G>C on the coding strand, the complement: PALB2 is on the minus strand). VCF-style: chr16-23621477-C-G. GRCh37 (hg19) VCF-style: chr16-23632798-C-G.
Other names: short protein forms G1000R.
Identifiers: ClinVar variation 1062828 (VCV001062828.11), dbSNP rs1966773345, ClinGen allele CA395143239.